The following is an entry in ClinVar:

NM_001423532.1(FAM90A20):c.500G>A (p.Gly167Asp)

Gene: FAM90A20 (family with sequence similarity 90 member A20). Cytogenetic location: 8p23.1.
Variant type: single nucleotide variant.
Coding change: c.500G>A on transcript NM_001423532.1 (MANE Select); coding-DNA position 500, G replaced by A.
Protein change: p.Gly167Asp; replaces glycine 167 with aspartic acid.
Molecular consequence: missense variant.
Genome position (GRCh38, 1-based): chr8:7,297,129, G>A. VCF-style: chr8-7297129-G-A. GRCh37 (hg19) VCF-style: chr8-7154651-G-A.
Other names: short protein forms G167D.
Identifiers: ClinVar variation 4821257 (VCV004821257.4).

ClinVar aggregate classification (germline): Likely benign (1 of 4 stars; one submission).

gnomAD v4.1: 254 of 1,514,586 alleles (0.017%); highest among the groups gnomAD compares: Middle Eastern, 0.094%; 36 homozygotes.

Submission:

CeGaT Center for Human Genetics Tuebingen
Classification: Likely benign. Last evaluated: 2026-01-01. Review status: criteria provided, single submitter. Criteria: CeGaT Center For Human Genetics Tuebingen Variant Classification Criteria Version 2. Collection method: clinical testing. Allele origin: germline. Affected: yes. Observed: 1 variant allele.
Comment: FAM90A20: BS2